The following is an entry in ClinVar:

ClinVar aggregate classification (germline): Likely benign. Review status: criteria provided, multiple submitters, no conflicts (2 of 4 stars). 5 submissions from 5 submitters: Likely benign (5). Last evaluated 2025-03-27.

Conditions:
Cardiovascular phenotype. Identifiers: MedGen CN230736.
Cardiomyopathy (CMYO). Also called: Cardiomyopathies. Identifiers: Orphanet 167848, MedGen C0878544, MONDO:0004994, HP:0001638. Inheritance: Various modes of inheritance.
Hypertrophic cardiomyopathy 10. Also called: CARDIOMYOPATHY, HYPERTROPHIC, MID-LEFT VENTRICULAR CHAMBER TYPE, 2; MYL2-Related Familial Hypertrophic Cardiomyopathy. Identifiers: MedGen C1834460, MONDO:0012112, OMIM 608758.
Hypertrophic cardiomyopathy. Also called: HYPERTROPHIC MYOCARDIOPATHY. Identifiers: Orphanet 217569, MedGen C0007194, MeSH D002312, MONDO:0005045, HP:0001639.

Allele frequency attached by ClinVar (database versions not stated): gnomAD 0.00001; TOPMed 0.00003; gnomAD exomes below 0.00001.
gnomAD v4.1: 7 of 1,613,464 alleles (0.00043%); highest among the groups gnomAD compares: Admixed American, 0.0017%; no homozygotes.

Submissions (5):

Labcorp Genetics (formerly Invitae), Labcorp
Classification: Likely benign for Hypertrophic cardiomyopathy 10. Last evaluated: 2025-03-27. Review status: criteria provided, single submitter. Criteria: Invitae Variant Classification Sherloc (09022015). Collection method: clinical testing. Allele origin: germline.

Ambry Genetics
Classification: Likely benign for Cardiovascular phenotype. Last evaluated: 2024-11-10. Review status: criteria provided, single submitter. Criteria: Ambry Variant Classification Scheme 2023. Collection method: clinical testing. Allele origin: germline.

All of Us Research Program, National Institutes of Health
Classification: Likely benign for Hypertrophic cardiomyopathy. Last evaluated: 2023-05-04. Review status: criteria provided, single submitter. Criteria: ACMG Guidelines, 2015. Collection method: clinical testing. Allele origin: germline. Inheritance: Autosomal dominant inheritance. Observed: 1 variant allele, 1 heterozygote.
Comment: This study involves interpretation of variants in research participants for the purpose of population health screening. Participant phenotype was not available at the time of variant classification. Additional details can be found in publication PMID: 35346344, PMCID: PMC8962531

Color Diagnostics, LLC DBA Color Health
Classification: Likely benign for Cardiomyopathy. Last evaluated: 2021-08-23. Review status: criteria provided, single submitter. Criteria: ACMG Guidelines, 2015. Collection method: clinical testing. Allele origin: germline.

Laboratory for Molecular Medicine, Mass General Brigham Personalized Medicine
Classification: Likely benign. Last evaluated: 2012-07-06. Review status: criteria provided, single submitter. Criteria: LMM Criteria. Collection method: clinical testing. Allele origin: germline. Observed: 1 variant allele.
Comment: Asn149Asn in exon 7 of MYL2: This variant is not expected to have clinical signi ficance because it does not alter an amino acid residue and is not located withi n the splice consensus sequence. Asn149Asn in exon 7 of MYL2 (allele frequency = n/a)

NM_000432.4(MYL2):c.447C>T (p.Asn149=)

Gene: MYL2 (myosin light chain 2; minus strand). Cytogenetic location: 12q24.11.
Variant type: single nucleotide variant.
Coding change: c.447C>T on transcript NM_000432.4 (MANE Select); coding-DNA position 447, C replaced by T.
Protein change: p.Asn149=; no amino-acid change (asparagine 149 retained).
Molecular consequence: synonymous variant.
Genome position (GRCh38, 1-based): chr12:110,911,131, G>A on the plus strand (C>T on the coding strand, the complement: MYL2 is on the minus strand). VCF-style: chr12-110911131-G-A. GRCh37 (hg19) VCF-style: chr12-111348935-G-A.
Identifiers: ClinVar variation 43477 (VCV000043477.19), dbSNP rs397516405, ClinGen allele CA010369.
Genomic context (GRCh38, chr12:110,911,131, plus strand): 5'-CCCCTCCTAGTCCTTCTCTTCTCCGTGGGTGATGATGTGCACCAGGTTCTTGTAGTCCAA[G>A]TTGCCAGTCACGTCAGGGGGGAAGGCGGCGAACATCTGGTCAACCTGCAATGAGCCAGCA-3'
Protein context (NP_000423.2, residues 139-159): FAAFPPDVTG[Asn149=]LDYKNLVHII